The following is an entry in ClinVar:

ClinVar aggregate classification (germline): Pathogenic. Review status: criteria provided, multiple submitters, no conflicts (2 of 4 stars). 2 submissions from 2 submitters: Pathogenic (2). Last evaluated 2026-01-04.

Conditions:
DYRK1A-related intellectual disability syndrome (MRD7). Also called: DYRK1A Syndrome; Intellectual developmental disorder, autosomal dominant 7. Identifiers: Orphanet 464306, MedGen C5568143, MONDO:0013578, OMIM 614104.

Submissions (2):

Labcorp Genetics (formerly Invitae), Labcorp
Classification: Pathogenic for DYRK1A-related intellectual disability syndrome. Last evaluated: 2026-01-04. Review status: criteria provided, single submitter. Criteria: Invitae Variant Classification Sherloc (09022015). Collection method: clinical testing. Allele origin: germline.
Comment: This sequence change creates a premature translational stop signal (p.Tyr159*) in the DYRK1A gene. It is expected to result in an absent or disrupted protein product. Loss-of-function variants in DYRK1A are known to be pathogenic (PMID: 25944381). This variant is not present in population databases (gnomAD no frequency). This premature translational stop signal has been observed in individual(s) with DYRK1A-related conditions (PMID: 34345024). ClinVar contains an entry for this variant (Variation ID: 3777161). For these reasons, this variant has been classified as Pathogenic.

University of Washington Department of Laboratory Medicine, University of Washington
Classification: Pathogenic for DYRK1A-related intellectual disability syndrome. Last evaluated: 2022-01-19. Review status: criteria provided, single submitter. Criteria: ACMG Guidelines, 2015. Collection method: clinical testing. Allele origin: de novo. Affected: yes.
Comment: The p.Tyr159* variant was absent from large population databases, including the Genome Aggregation Database. The variant leads to a premature stop codon in exon 5 of 12 exons and is predicted to undergo nonsense-mediated decay resulting in a truncated or absent protein. These predictions have not been tested directly. Heterozygous loss of function leading to haploinsufficiency of the DYRK1A gene is an established mechanism of disease. Using ACMG guidelines, this variant was classified as pathogenic for autosomal dominant DYRK1A syndrome (ACMG evidence codes used: PVS1, PS2, PM2_supporting).

Literature cited by the submitters: PubMed 25944381 (cited by Labcorp Genetics (formerly Invitae), Labcorp); PubMed 34345024 (cited by Labcorp Genetics (formerly Invitae), Labcorp).

NM_001347721.2(DYRK1A):c.450C>A (p.Tyr150Ter)

Gene: DYRK1A (dual specificity tyrosine phosphorylation regulated kinase 1A; plus strand). Cytogenetic location: 21q22.13.
Variant type: single nucleotide variant.
Coding change: c.450C>A on transcript NM_001347721.2 (MANE Select); coding-DNA position 450, C replaced by A.
Protein change: p.Tyr150Ter; replaces tyrosine 150 with a stop codon.
Molecular consequence: nonsense.
Genome position (GRCh38, 1-based): chr21:37,480,787, C>A. VCF-style: chr21-37480787-C-A. GRCh37 (hg19) VCF-style: chr21-38853089-C-A.
Other names: c.450C>A, p.Tyr150Ter (NM_001347722.2, NM_130436.2); c.363C>A, p.Tyr121Ter (NM_001347723.2); c.477C>A, p.Tyr159Ter (NM_001396.5, NM_101395.2, NM_130438.2); c.477C>A (NM_001396.4); short protein forms Y121*, Y150*, Y159*.
Identifiers: ClinVar variation 3777161 (VCV003777161.3).